The following is an entry in ClinVar:

NM_006343.3(MERTK):c.1449C>T (p.His483=)

Gene: MERTK (MER proto-oncogene, tyrosine kinase; plus strand). Cytogenetic location: 2q13.
Variant type: single nucleotide variant.
Coding change: c.1449C>T on transcript NM_006343.3 (MANE Select); coding-DNA position 1449, C replaced by T.
Protein change: p.His483=; no amino-acid change (histidine 483 retained).
Molecular consequence: synonymous variant.
Genome position (GRCh38, 1-based): chr2:111,994,403, C>T. VCF-style: chr2-111994403-C-T. GRCh37 (hg19) VCF-style: chr2-112751980-C-T.
Other names: c.1449C>T (NM_006343.2).
Identifiers: ClinVar variation 1357903 (VCV001357903.5), dbSNP rs540628681, ClinGen allele CA1831387.

ClinVar aggregate classification (germline): Conflicting classifications of pathogenicity. Review status: criteria provided, conflicting classifications (1 of 4 stars). 3 submissions from 3 submitters: Uncertain significance (2); Likely benign (1). Last evaluated 2026-02-17.

Conditions:
MERTK-related disorder. Also called: MERTK-related condition.

Allele frequency attached by ClinVar (database versions not stated): gnomAD 0.00001 and 0.00002; gnomAD exomes 0.00001 and 0.00003; TOPMed 0.00002; ExAC 0.00005; 1000 Genomes Project 30x 0.00016; 1000 Genomes Project 0.00020.
gnomAD v4.1: 17 of 1,614,044 alleles (0.0011%); highest among the groups gnomAD compares: East Asian, 0.018%; no homozygotes.

Submissions (3):

PreventionGenetics, part of Exact Sciences
Classification: Likely benign for MERTK-related condition. Last evaluated: 2026-02-17. Review status: criteria provided, single submitter. Criteria: ACMG Guidelines, 2015. Collection method: clinical testing. Allele origin: germline.
Comment: This variant is classified as likely benign based on ACMG/AMP sequence variant interpretation guidelines (Richards et al. 2015 PMID: 25741868, with internal and published modifications).

Labcorp Genetics (formerly Invitae), Labcorp
Classification: Uncertain significance. Last evaluated: 2022-06-08. Review status: criteria provided, single submitter. Criteria: Invitae Variant Classification Sherloc (09022015). Collection method: clinical testing. Allele origin: germline.
Comment: This sequence change affects codon 483 of the MERTK mRNA. It is a 'silent' change, meaning that it does not change the encoded amino acid sequence of the MERTK protein. It affects a nucleotide within the consensus splice site. This variant is present in population databases (rs540628681, gnomAD 0.03%). This variant has not been reported in the literature in individuals affected with MERTK-related conditions. Algorithms developed to predict the effect of sequence changes on RNA splicing suggest that this variant is not likely to affect RNA splicing. In summary, the available evidence is currently insufficient to determine the role of this variant in disease. Therefore, it has been classified as a Variant of Uncertain Significance.

Blueprint Genetics
Classification: Uncertain significance. Last evaluated: 2020-11-30. Review status: criteria provided, single submitter. Criteria: ACMG Guidelines, 2015. Collection method: clinical testing. Allele origin: germline.